The following is an entry in ClinVar:

NM_016156.6(MTMR2):c.1682A>C (p.Asn561Thr)

Gene: MTMR2 (myotubularin related protein 2; minus strand). Cytogenetic location: 11q21.
Variant type: single nucleotide variant.
Coding change: c.1682A>C on transcript NM_016156.6 (MANE Select); coding-DNA position 1682, A replaced by C.
Protein change: p.Asn561Thr; replaces asparagine 561 with threonine.
Molecular consequence: missense variant.
Genome position (GRCh38, 1-based): chr11:95,836,236, T>G on the plus strand (A>C on the coding strand, the complement: MTMR2 is on the minus strand). VCF-style: chr11-95836236-T-G. GRCh37 (hg19) VCF-style: chr11-95569400-T-G.
Other names: c.1466A>C, p.Asn489Thr (NM_001243571.2, NM_201278.3, NM_201281.3); short protein forms N489T, N561T.
Identifiers: ClinVar variation 1716751 (VCV001716751.5), dbSNP rs1181723967, ClinGen allele CA382414526.
Genomic context (GRCh38, chr11:95,836,236, plus strand): 5'-ATGTAATATCCCACCCAGAGCTCTAGGTGGCGCATGCTGGCTACTGGATAAAGGACATGA[T>G]TGGAATAGCTCCCATAGAGAGGATTAGTGAAGTCTTCCAGCTGGCTGTTTATGTAAGACC-3'
Protein context (NP_057240.3, residues 551-571): FTNPLYGSYS[Asn561Thr]HVLYPVASMR

ClinVar aggregate classification (germline): Uncertain significance (1 of 4 stars; one submission).

Conditions:
Charcot-Marie-Tooth disease type 4. Also called: Charcot-Marie-Tooth disease, type IV; Charcot-Marie-Tooth, Type 4. Identifiers: Orphanet 64749, MedGen C4082197, MONDO:0018995.

Allele frequency attached by ClinVar (database versions not stated): TOPMed below 0.00001; gnomAD 0.00001.
gnomAD v4.1: 1 of 1,612,826 alleles (0.000062%); highest among the groups gnomAD compares: Non-Finnish European, 0.000085%; no homozygotes.

Submission:

Labcorp Genetics (formerly Invitae), Labcorp
Classification: Uncertain significance for Charcot-Marie-Tooth disease type 4. Last evaluated: 2022-08-19. Review status: criteria provided, single submitter. Criteria: Invitae Variant Classification Sherloc (09022015). Collection method: clinical testing. Allele origin: germline.
Comment: In summary, the available evidence is currently insufficient to determine the role of this variant in disease. Therefore, it has been classified as a Variant of Uncertain Significance. Advanced modeling of protein sequence and biophysical properties (such as structural, functional, and spatial information, amino acid conservation, physicochemical variation, residue mobility, and thermodynamic stability) performed at Invitae indicates that this missense variant is expected to disrupt MTMR2 protein function. This variant has not been reported in the literature in individuals affected with MTMR2-related conditions. This variant is present in population databases (no rsID available, gnomAD 0.007%). This sequence change replaces asparagine, which is neutral and polar, with threonine, which is neutral and polar, at codon 561 of the MTMR2 protein (p.Asn561Thr).